The following is an entry in ClinVar:

NM_032242.4(PLXNA1):c.2821G>T (p.Val941Leu)

Gene: PLXNA1 (plexin A1; plus strand). Cytogenetic location: 3q21.3.
Variant type: single nucleotide variant.
Coding change: c.2821G>T on transcript NM_032242.4 (MANE Select); coding-DNA position 2821, G replaced by T.
Protein change: p.Val941Leu; replaces valine 941 with leucine.
Molecular consequence: missense variant.
Genome position (GRCh38, 1-based): chr3:127,014,775, G>T. VCF-style: chr3-127014775-G-T. GRCh37 (hg19) VCF-style: chr3-126733618-G-T.
Other names: short protein forms V941L.
Identifiers: ClinVar variation 3345758 (VCV003345758.1).

ClinVar aggregate classification (germline): Uncertain significance (0 of 4 stars; one submission).

Conditions:
PLXNA1-related disorder. Also called: PLXNA1-related condition.

gnomAD v4.1: 10 of 1,612,718 alleles (0.00062%); highest among the groups gnomAD compares: Admixed American, 0.0017%; no homozygotes.

Submission:

PreventionGenetics, part of Exact Sciences
Classification: Uncertain significance for PLXNA1-related condition. Last evaluated: 2024-04-17. Review status: no assertion criteria provided. Collection method: clinical testing. Allele origin: germline.
Comment: The PLXNA1 c.2821G>T variant is predicted to result in the amino acid substitution p.Val941Leu. To our knowledge, this variant has not been reported in the literature. This variant is reported in 0.0065% of alleles in individuals of European (Non-Finnish) descent in gnomAD. At this time, the clinical significance of this variant is uncertain due to the absence of conclusive functional and genetic evidence.